The following is an entry in ClinVar:

ClinVar aggregate classification (germline): Uncertain significance. Review status: criteria provided, multiple submitters, no conflicts (2 of 4 stars). 2 submissions from 2 submitters: Uncertain significance (2). Last evaluated 2025-08-19.

Conditions:
Juvenile polyposis syndrome (JPS). Identifiers: Orphanet 2929, MedGen C0345893, MONDO:0017380, OMIM 174900.
Hereditary cancer-predisposing syndrome. Also called: Neoplastic Syndromes, Hereditary; Tumor predisposition; Hereditary neoplastic syndrome; Hereditary Cancer Syndrome. Identifiers: Orphanet 140162, MedGen C0027672, MeSH D009386, MONDO:0015356.

Allele frequency attached by ClinVar (database versions not stated): gnomAD exomes below 0.00001.

Submissions (2):

Ambry Genetics
Classification: Uncertain significance for Hereditary cancer-predisposing syndrome. Last evaluated: 2025-08-19. Review status: criteria provided, single submitter. Criteria: Ambry Variant Classification Scheme 2023. Collection method: clinical testing. Allele origin: germline.
Comment: The p.M101V variant (also known as c.301A>G), located in coding exon 3 of the BMPR1A gene, results from an A to G substitution at nucleotide position 301. The methionine at codon 101 is replaced by valine, an amino acid with highly similar properties. This amino acid position is highly conserved in available vertebrate species. In addition, this alteration is predicted to be deleterious by in silico analysis. Based on the available evidence, the clinical significance of this variant remains unclear.

Labcorp Genetics (formerly Invitae), Labcorp
Classification: Uncertain significance for Juvenile polyposis syndrome. Last evaluated: 2021-03-22. Review status: criteria provided, single submitter. Criteria: Invitae Variant Classification Sherloc (09022015). Collection method: clinical testing. Allele origin: germline.
Comment: In summary, the available evidence is currently insufficient to determine the role of this variant in disease. Therefore, it has been classified as a Variant of Uncertain Significance. Algorithms developed to predict the effect of missense changes on protein structure and function (SIFT, PolyPhen-2, Align-GVGD) all suggest that this variant is likely to be tolerated, but these predictions have not been confirmed by published functional studies and their clinical significance is uncertain. This variant has not been reported in the literature in individuals with BMPR1A-related conditions. This variant is not present in population databases (ExAC no frequency). This sequence change replaces methionine with valine at codon 101 of the BMPR1A protein (p.Met101Val). The methionine residue is highly conserved and there is a small physicochemical difference between methionine and valine.

NM_004329.3(BMPR1A):c.301A>G (p.Met101Val)

Gene: BMPR1A (bone morphogenetic protein receptor type 1A; plus strand). Cytogenetic location: 10q23.2.
Variant type: single nucleotide variant.
Coding change: c.301A>G on transcript NM_004329.3 (MANE Select); coding-DNA position 301, A replaced by G.
Protein change: p.Met101Val; replaces methionine 101 with valine.
Molecular consequence: missense variant.
Genome position (GRCh38, 1-based): chr10:86,892,197, A>G. VCF-style: chr10-86892197-A-G. GRCh37 (hg19) VCF-style: chr10-88651954-A-G.
Other names: c.301A>G (NM_004329.2); short protein forms M101V.
Identifiers: ClinVar variation 1487550 (VCV001487550.9), dbSNP rs2133408803, ClinGen allele CA377448177.
Genomic context (GRCh38, chr10:86,892,197, plus strand): 5'-CATTGCTTTGCCATCATAGAAGAAGATGACCAGGGAGAAACCACATTAGCTTCAGGGTGT[A>G]TGAAATATGAAGGATCTGATTTTCAGTGCAAAGTAAGATATAATTTGGGACCCATGAGAC-3'
Protein context (NP_004320.2, residues 91-111): QGETTLASGC[Met101Val]KYEGSDFQCK